The following is an entry in ClinVar:

ClinVar aggregate classification (germline): Uncertain significance (1 of 4 stars; one submission).

Conditions:
Congenital myasthenic syndrome 8. Also called: MYASTHENIC SYNDROME, CONGENITAL, DUE TO AGRIN DEFICIENCY; Myasthenic syndrome, congenital, 8, with pre- and postsynaptic defects. Identifiers: Orphanet 590, MedGen C3808739, MONDO:0014052, OMIM 615120.

Submission:

Labcorp Genetics (formerly Invitae), Labcorp
Classification: Uncertain significance for Congenital myasthenic syndrome 8. Last evaluated: 2022-10-24. Review status: criteria provided, single submitter. Criteria: Invitae Variant Classification Sherloc (09022015). Collection method: clinical testing. Allele origin: germline.
Comment: In summary, the available evidence is currently insufficient to determine the role of this variant in disease. Therefore, it has been classified as a Variant of Uncertain Significance. This variant has not been reported in the literature in individuals affected with AGRN-related conditions. This sequence change affects codon 1707 of the AGRN mRNA. It is a 'silent' change, meaning that it does not change the encoded amino acid sequence of the AGRN protein. This variant is not present in population databases (gnomAD no frequency). Algorithms developed to predict the effect of sequence changes on RNA splicing suggest that this variant may disrupt the consensus splice site. ClinVar contains an entry for this variant (Variation ID: 1063038).

NM_198576.4(AGRN):c.5121C>T (p.Gly1707=)

Gene: AGRN (agrin; plus strand). Cytogenetic location: 1p36.33.
Variant type: single nucleotide variant.
Coding change: c.5121C>T on transcript NM_198576.4 (MANE Select); coding-DNA position 5121, C replaced by T.
Protein change: p.Gly1707=; no amino-acid change (glycine 1707 retained).
Molecular consequence: synonymous variant.
Genome position (GRCh38, 1-based): chr1:1,050,571, C>T. VCF-style: chr1-1050571-C-T. GRCh37 (hg19) VCF-style: chr1-985951-C-T.
Other names: c.5121C>T, p.Gly1707= (NM_001305275.2); c.4806C>T, p.Gly1602= (NM_001364727.2).
Identifiers: ClinVar variation 1063038 (VCV001063038.9), dbSNP rs1457021881, ClinGen allele CA415759178.